The following is an entry in ClinVar:

ClinVar aggregate classification (germline): Uncertain significance. Review status: criteria provided, multiple submitters, no conflicts (2 of 4 stars). 2 submissions from 2 submitters: Uncertain significance (2). Last evaluated 2025-11-25.

Conditions:
Dyskeratosis congenita, autosomal dominant 1 (DKCA1). Also called: Dyskeratosis congenita Scoggins type. Identifiers: Orphanet 1775, MedGen C4551974, MONDO:0007485, OMIM 127550. Inheritance: Variable.

Allele frequency attached by ClinVar (database versions not stated): gnomAD exomes below 0.00001; TOPMed 0.00003.
gnomAD v4.1: 2 of 758,366 alleles (0.00026%); highest among the groups gnomAD compares: East Asian, 0.0049%; no homozygotes.

Submissions (2):

Labcorp Genetics (formerly Invitae), Labcorp
Classification: Uncertain significance for Dyskeratosis congenita, autosomal dominant 1. Last evaluated: 2025-11-25. Review status: criteria provided, single submitter. Criteria: Invitae Variant Classification Sherloc (09022015). Collection method: clinical testing. Allele origin: germline.
Comment: This variant occurs in the TERC gene, which encodes an RNA molecule that does not result in a protein product. This variant is not present in population databases (gnomAD no frequency). This variant has not been reported in the literature in individuals affected with TERC-related conditions. ClinVar contains an entry for this variant (Variation ID: 572406). This variant is located within the BoxH/ACA scaRNA domain of the TERC RNA component, which is required for telomerase activity (PMID: 21844345). In summary, the available evidence is currently insufficient to determine the role of this variant in disease. Therefore, it has been classified as a Variant of Uncertain Significance.

Blueprint Genetics
Classification: Uncertain significance. Last evaluated: 2022-09-15. Review status: criteria provided, single submitter. Criteria: ACMG Guidelines, 2015. Collection method: clinical testing. Allele origin: germline.

Literature cited by the submitters: PubMed 21844345 (cited by Labcorp Genetics (formerly Invitae), Labcorp).

NC_000003.12:g.169764672G>A

Gene: TERC (telomerase RNA component; minus strand). Cytogenetic location: 3q26.2.
Variant type: single nucleotide variant.
Genome position: GRCh38 VCF-style: chr3-169764672-G-A. GRCh37 (hg19) VCF-style: chr3-169482460-G-A.
Identifiers: ClinVar variation 572406 (VCV000572406.9), dbSNP rs762378141, ClinGen allele CA87623749.
Genomic context (GRCh38, chr3:169,764,672, plus strand): 5'-ATGTGTGAGCCGAGTCCTGGGTGCACGTCCCACAGCTCAGGGAATCGCGCCGCGCGCGGG[G>A]ACTCGCTCCGTTCCTCTTCCTGCGGCCTGAAAGGCCTGAACCTCGCCCTCGCCCCCGAGA-3'